The following is an entry in ClinVar:

NM_000465.4(BARD1):c.244G>C (p.Gly82Arg)

Gene: BARD1 (BRCA1 associated RING domain 1; minus strand). Cytogenetic location: 2q35.
Variant type: single nucleotide variant.
Coding change: c.244G>C on transcript NM_000465.4 (MANE Select); coding-DNA position 244, G replaced by C.
Protein change: p.Gly82Arg; replaces glycine 82 with arginine.
Molecular consequence: missense variant. On other transcripts: non-coding transcript variant (1), intron variant (2).
Genome position (GRCh38, 1-based): chr2:214,792,417, C>G on the plus strand (G>C on the coding strand, the complement: BARD1 is on the minus strand). VCF-style: chr2-214792417-C-G. GRCh37 (hg19) VCF-style: chr2-215657141-C-G.
Other names: c.187G>C, p.Gly63Arg (NM_001282543.2); c.244G>C, p.Gly82Arg (NM_001282549.2); c.158+16995G>C (NM_001282548.2); c.215+4644G>C (NM_001282545.2); c.244G>C (NM_000465.2); short protein forms G82R, G63R.
Identifiers: ClinVar variation 630451 (VCV000630451.16), dbSNP rs1559437226, ClinGen allele CA350461243.

ClinVar aggregate classification (germline): Conflicting classifications of pathogenicity. Review status: criteria provided, conflicting classifications (1 of 4 stars). 3 submissions from 3 submitters: Uncertain significance (2); Likely benign (1). Last evaluated 2024-10-21.

Conditions:
Hereditary cancer-predisposing syndrome. Also called: Tumor predisposition; Neoplastic Syndromes, Hereditary; Hereditary neoplastic syndrome; Hereditary Cancer Syndrome. Identifiers: Orphanet 140162, MedGen C0027672, MeSH D009386, MONDO:0015356.
Familial cancer of breast. Also called: hereditary breast carcinoma; BREAST CANCER, FAMILIAL; Hereditary breast cancer. Identifiers: Orphanet 227535, MedGen C0346153, MONDO:0016419, OMIM 114480. Disease mechanism: loss of function.

Submissions (3):

Labcorp Genetics (formerly Invitae), Labcorp
Classification: Uncertain significance for Familial cancer of breast. Last evaluated: 2024-10-21. Review status: criteria provided, single submitter. Criteria: Invitae Variant Classification Sherloc (09022015). Collection method: clinical testing. Allele origin: germline.
Comment: This sequence change replaces glycine, which is neutral and non-polar, with arginine, which is basic and polar, at codon 82 of the BARD1 protein (p.Gly82Arg). This variant is not present in population databases (gnomAD no frequency). This variant has not been reported in the literature in individuals affected with BARD1-related conditions. ClinVar contains an entry for this variant (Variation ID: 630451). An algorithm developed to predict the effect of missense changes on protein structure and function outputs the following: PolyPhen-2: "Benign". The arginine amino acid residue is found in multiple mammalian species, which suggests that this missense change does not adversely affect protein function. In summary, the available evidence is currently insufficient to determine the role of this variant in disease. Therefore, it has been classified as a Variant of Uncertain Significance.

Ambry Genetics
Classification: Likely benign for Hereditary cancer-predisposing syndrome. Last evaluated: 2024-02-26. Review status: criteria provided, single submitter. Criteria: Ambry Variant Classification Scheme 2023. Collection method: clinical testing. Allele origin: germline.

Color Diagnostics, LLC DBA Color Health
Classification: Uncertain significance for Hereditary cancer-predisposing syndrome. Last evaluated: 2023-12-05. Review status: criteria provided, single submitter. Criteria: ACMG Guidelines, 2015. Collection method: clinical testing. Allele origin: germline.
Comment: This missense variant replaces glycine with arginine at codon 82 of the BARD1 protein. Computational prediction suggests that this variant may not impact protein structure and function (internally defined REVEL score threshold <= 0.5, PMID: 27666373). To our knowledge, functional studies have not been reported for this variant. This variant has not been reported in individuals affected with BARD1-related disorders in the literature. This variant has not been identified in the general population by the Genome Aggregation Database (gnomAD). The available evidence is insufficient to determine the role of this variant in disease conclusively. Therefore, this variant is classified as a Variant of Uncertain Significance.